The following is an entry in ClinVar:

ClinVar aggregate classification (germline): Pathogenic (1 of 4 stars; one submission).

Conditions:
Monocytopenia with susceptibility to infections. Also called: MONOCYTOPENIA AND MYCOBACTERIAL INFECTION SYNDROME; MONOCYTOPENIA WITH SUSCEPTIBILITY TO MYCOBACTERIAL, FUNGAL, AND PAPILLOMAVIRUS INFECTIONS AND MYELODYSPLASIA; COMBINED IMMUNODEFICIENCY WITH SUSCEPTIBILITY TO MYCOBACTERIAL, VIRAL, AND FUNGAL INFECTIONS; Dendritic cell, monocyte, B lymphocyte, and natural killer lymphocyte deficiency; IMMUNODEFICIENCY 21; GATA2 DEFICIENCY. Identifiers: Orphanet 228423, MedGen C3280030, MONDO:0013607, OMIM 614172.
Deafness-lymphedema-leukemia syndrome. Also called: Lymphedema, primary, with myelodysplasia; Emberger syndrome. Identifiers: Orphanet 3226, MedGen C3279664, MONDO:0013540, OMIM 614038.

Submission:

Labcorp Genetics (formerly Invitae), Labcorp
Classification: Pathogenic for Monocytopenia with susceptibility to infections; Deafness-lymphedema-leukemia syndrome. Last evaluated: 2025-08-15. Review status: criteria provided, single submitter. Criteria: Invitae Variant Classification Sherloc (09022015). Collection method: clinical testing. Allele origin: germline.
Comment: This sequence change creates a premature translational stop signal (p.Gly263Argfs*65) in the GATA2 gene. It is expected to result in an absent or disrupted protein product. Loss-of-function variants in GATA2 are known to be pathogenic (PMID: 21670465, 23223431). This variant is not present in population databases (gnomAD no frequency). This variant has not been reported in the literature in individuals affected with GATA2-related conditions. For these reasons, this variant has been classified as Pathogenic.

Literature cited by the submitters: PubMed 21670465; PubMed 23223431.

NM_032638.5(GATA2):c.786_787insCGTGG (p.Gly263fs)

Gene: GATA2 (GATA binding protein 2; minus strand). Cytogenetic location: 3q21.3.
Variant type: Insertion.
Coding change: c.786_787insCGTGG on transcript NM_032638.5 (MANE Select); coding-DNA positions 786 to 787, CGTGG inserted.
Protein change: p.Gly263fs; shifts the reading frame from glycine 263.
Molecular consequence: frameshift variant.
Genome position: GRCh38 VCF-style: chr3-128485811-C-CCCACG. GRCh37 (hg19) VCF-style: chr3-128204654-C-CCCACG.
Other names: c.786_787insCGTGG, p.Gly263fs (NM_001145661.2, NM_001145662.1); short protein forms G263fs.
Identifiers: ClinVar variation 4785880 (VCV004785880.1).